The following is an entry in ClinVar:

NM_001830.4(CLCN4):c.1597G>A (p.Val533Met)

Gene: CLCN4 (Cl-/H+ antiporter 4; plus strand). Cytogenetic location: Xp22.2.
Variant type: single nucleotide variant.
Coding change: c.1597G>A on transcript NM_001830.4 (MANE Select); coding-DNA position 1597, G replaced by A.
Protein change: p.Val533Met; replaces valine 533 with methionine.
Molecular consequence: missense variant.
Genome position (GRCh38, 1-based): chrX:10,213,701, G>A. VCF-style: chrX-10213701-G-A. GRCh37 (hg19) VCF-style: chrX-10181741-G-A.
Other names: c.1315G>A, p.Val439Met (NM_001256944.2); short protein forms V439M, V533M.
Identifiers: ClinVar variation 1691397 (VCV001691397.5), dbSNP rs2518889336, ClinGen allele CA412041425.

ClinVar aggregate classification (germline): Uncertain significance. Review status: criteria provided, multiple submitters, no conflicts (2 of 4 stars). 2 submissions from 2 submitters: Uncertain significance (2). Last evaluated 2023-06-02.

Conditions:
Intellectual disability, X-linked 49 (MRXSRC). Also called: MRX49; CLCN4-Related Neurodevelopmental Disorder; MENTAL RETARDATION, X-LINKED 15; CLCN4-related X-linked intellectual disability syndrome; RAYNAUD-CLAES SYNDROME. Identifiers: Orphanet 485350, Orphanet 777, MedGen C0796221, MONDO:0010250, OMIM 300114.

Submissions (2):

Labcorp Genetics (formerly Invitae), Labcorp
Classification: Uncertain significance. Last evaluated: 2023-06-02. Review status: criteria provided, single submitter. Criteria: Invitae Variant Classification Sherloc (09022015). Collection method: clinical testing. Allele origin: germline.
Comment: Advanced modeling of protein sequence and biophysical properties (such as structural, functional, and spatial information, amino acid conservation, physicochemical variation, residue mobility, and thermodynamic stability) performed at Invitae indicates that this missense variant is expected to disrupt CLCN4 protein function. This sequence change replaces valine, which is neutral and non-polar, with methionine, which is neutral and non-polar, at codon 533 of the CLCN4 protein (p.Val533Met). This variant is not present in population databases (gnomAD no frequency). This missense change has been observed in individual(s) with CLCN4-related conditions (PMID: 31780880). ClinVar contains an entry for this variant (Variation ID: 1691397). In summary, the available evidence is currently insufficient to determine the role of this variant in disease. Therefore, it has been classified as a Variant of Uncertain Significance.

Gene2Care/ Palmer Lab, University of New South Wales
Classification: Uncertain significance for Intellectual disability, X-linked 49. Last evaluated: 2022-05-27. Review status: criteria provided, single submitter. Criteria: ACMG Guidelines, 2015. Collection method: clinical testing. Allele origin: germline. Affected: yes.

Literature cited by the submitters: PubMed 31780880 (cited by Labcorp Genetics (formerly Invitae), Labcorp).